The following is an entry in ClinVar:

ClinVar aggregate classification (germline): Benign/Likely benign. Review status: criteria provided, multiple submitters, no conflicts (2 of 4 stars). 16 submissions from 16 submitters: Benign (12); Likely benign (1). 3 of the submissions do not count toward it. Last evaluated 2026-02-03.

Conditions:
Cardiovascular phenotype. Identifiers: MedGen CN230736.
Walker-Warburg congenital muscular dystrophy. Also called: Muscular dystrophy-dystroglycanopathy, type A; Walker-Warburg syndrome. Identifiers: Orphanet 899, MedGen C0265221, MONDO:0000171.
Muscular dystrophy-dystroglycanopathy type B5 (MDDGB5). Also called: MUSCULAR DYSTROPHY-DYSTROGLYCANOPATHY (CONGENITAL WITH OR WITHOUT IMPAIRED INTELLECTUAL DEVELOPMENT), TYPE B, 5; MUSCULAR DYSTROPHY, CONGENITAL, 1C; MUSCULAR DYSTROPHY, CONGENITAL, FKRP-RELATED. Identifiers: MedGen C1847759, MONDO:0011688, OMIM 606612.
Autosomal recessive limb-girdle muscular dystrophy type 2I. Also called: MUSCULAR DYSTROPHY-DYSTROGLYCANOPATHY (LIMB-GIRDLE), TYPE C, 5; MUSCULAR DYSTROPHY-DYSTROGLYCANOPATHY, LIMB-GIRDLE, FRKP-RELATED; MUSCULAR DYSTROPHY, LIMB-GIRDLE, TYPE 2I. Identifiers: Orphanet 34515, MedGen C1846672, MONDO:0011787, OMIM 607155.
Muscular dystrophy-dystroglycanopathy (congenital with brain and eye anomalies), type A1 (MDDGA1). Also called: COD-MD SYNDROME; WALKER-WARBURG SYNDROME OR MUSCLE-EYE-BRAIN DISEASE, POMT1-RELATED; Hydrocephalus, agyria and retinal dysplasia; Hard +/- E syndrome; Warburg syndrome; Chemke syndrome. Identifiers: Orphanet 588, Orphanet 899, MedGen C4284790, MONDO:0009364, OMIM 236670.
Muscular dystrophy-dystroglycanopathy (congenital with brain and eye anomalies), type A5. Also called: WALKER-WARBURG SYNDROME OR MUSCLE-EYE-BRAIN DISEASE, FKRP-RELATED; MUSCULAR DYSTROPHY-DYSTROGLYCANOPATHY (CONGENITAL WITH BRAIN AND EYE ANOMALIES), TYPE A, 5. Identifiers: Orphanet 588, Orphanet 899, MedGen C3150413, MONDO:0013157, OMIM 613153.

Allele frequency attached by ClinVar (database versions not stated): gnomAD exomes 0.00093 and 0.00204; ExAC 0.00458; ESP Exome Variant Server 0.00798; 1000 Genomes Project 0.00978; gnomAD 0.01006 and 0.01080; 1000 Genomes Project 30x 0.01077; TOPMed 0.01152.
gnomAD v4.1: 2,925 of 1,579,756 alleles (0.19%); highest among the groups gnomAD compares: African/African-American, 3.3%; 39 homozygotes.

Submissions (16):

Labcorp Genetics (formerly Invitae), Labcorp
Classification: Benign for Walker-Warburg congenital muscular dystrophy. Last evaluated: 2026-02-03. Review status: criteria provided, single submitter. Criteria: Invitae Variant Classification Sherloc (09022015). Collection method: clinical testing. Allele origin: germline.

Molecular Diagnostic Laboratory for Inherited Cardiovascular Disease, Montreal Heart Institute
Classification: Benign. Last evaluated: 2025-04-09. Review status: criteria provided, single submitter. Criteria: ACMG Guidelines, 2015. Collection method: clinical testing. Allele origin: germline. Affected: no.

Mayo Clinic Laboratories, Mayo Clinic
Classification: Benign. Last evaluated: 2023-12-05. Review status: criteria provided, single submitter. Criteria: ACMG Guidelines, 2015. Collection method: clinical testing. Allele origin: germline. Observed: 24 variant alleles.
Comment: BS1, BS2, BP4, BP7

ARUP Laboratories, Molecular Genetics and Genomics, ARUP Laboratories
Classification: Benign. Last evaluated: 2023-11-29. Review status: criteria provided, single submitter. Criteria: ARUP Molecular Germline Variant Investigation Process 2024. Collection method: clinical testing. Allele origin: germline.

Women's Health and Genetics/Laboratory Corporation of America, LabCorp
Classification: Likely benign. Last evaluated: 2023-08-19. Review status: criteria provided, single submitter. Criteria: LabCorp Variant Classification Summary - May 2015. Collection method: clinical testing. Allele origin: germline.

Athena Diagnostics
Classification: Benign. Last evaluated: 2022-04-12. Review status: criteria provided, single submitter. Criteria: Athena Diagnostics Criteria. Collection method: clinical testing. Allele origin: unknown.

Fulgent Genetics
Classification: Benign for Muscular dystrophy-dystroglycanopathy (congenital with brain and eye anomalies), type A1; Muscular dystrophy-dystroglycanopathy type B5; Autosomal recessive limb-girdle muscular dystrophy type 2I; Muscular dystrophy-dystroglycanopathy (congenital with brain and eye anomalies), type A5. Last evaluated: 2021-07-21. Review status: criteria provided, single submitter. Criteria: ACMG Guidelines, 2015. Collection method: clinical testing. Allele origin: unknown.

Ambry Genetics
Classification: Benign for Cardiovascular phenotype. Last evaluated: 2018-12-24. Review status: criteria provided, single submitter. Criteria: Ambry Variant Classification Scheme 2023. Collection method: clinical testing. Allele origin: germline.

Genetic Services Laboratory, University of Chicago
Classification: Benign. Last evaluated: 2015-11-11. Review status: criteria provided, single submitter. Criteria: ACMG Guidelines, 2015. Collection method: clinical testing. Allele origin: germline. Affected: no.

GeneDx
Classification: Benign. Last evaluated: 2015-07-24. Review status: criteria provided, single submitter. Criteria: GeneDx Variant Classification (06012015). Collection method: clinical testing. Allele origin: germline. Affected: yes.
Comment: This variant is considered likely benign or benign based on one or more of the following criteria: it is a conservative change, it occurs at a poorly conserved position in the protein, it is predicted to be benign by multiple in silico algorithms, and/or has population frequency not consistent with disease.

Eurofins Ntd Llc (ga)
Classification: Benign. Last evaluated: 2012-09-21. Review status: criteria provided, single submitter. Criteria: EGL Classification Definitions 2015. Collection method: clinical testing. Allele origin: germline. Observed: 1 variant allele, 1 heterozygote.

Breakthrough Genomics
Classification: Benign. Review status: criteria provided, single submitter. Criteria: ACMG Guidelines, 2015. Collection method: not provided. Allele origin: germline. Inheritance: Autosomal recessive inheritance. Affected: yes.

PreventionGenetics, part of Exact Sciences
Classification: Benign. Review status: criteria provided, single submitter. Criteria: ACMG Guidelines, 2015. Collection method: clinical testing. Allele origin: germline.

Clinical Genetics DNA and cytogenetics Diagnostics Lab, Erasmus MC, Erasmus Medical Center
Classification: Likely benign. Review status: no assertion criteria provided. Collection method: clinical testing. Allele origin: germline. Affected: yes. Study: VKGL Data-share Consensus. Not counted in ClinVar's aggregate classification.

Clinical Genetics, Academic Medical Center
Classification: Benign. Review status: no assertion criteria provided. Collection method: clinical testing. Allele origin: germline. Affected: yes. Study: VKGL Data-share Consensus. Not counted in ClinVar's aggregate classification.

Laboratory of Diagnostic Genome Analysis, Leiden University Medical Center (LUMC)
Classification: Likely benign. Review status: no assertion criteria provided. Collection method: clinical testing. Allele origin: germline. Affected: yes. Study: VKGL Data-share Consensus. Not counted in ClinVar's aggregate classification.

NM_024301.5(FKRP):c.585C>T (p.Asp195=)

Gene: FKRP (fukutin related protein; plus strand). Cytogenetic location: 19q13.32.
Variant type: single nucleotide variant.
Coding change: c.585C>T on transcript NM_024301.5 (MANE Select); coding-DNA position 585, C replaced by T.
Protein change: p.Asp195=; no amino-acid change (aspartic acid 195 retained).
Molecular consequence: synonymous variant.
Genome position (GRCh38, 1-based): chr19:46,756,035, C>T. VCF-style: chr19-46756035-C-T. GRCh37 (hg19) VCF-style: chr19-47259292-C-T.
Other names: p.Asp195=; c.585C>T, p.Asp195= (NM_001039885.3).
Identifiers: ClinVar variation 96112 (VCV000096112.37), dbSNP rs75079578, ClinGen allele CA149250.